The following is an entry in ClinVar:

ClinVar aggregate classification (germline): Conflicting classifications of pathogenicity. Review status: criteria provided, conflicting classifications (1 of 4 stars). 4 submissions from 4 submitters: Uncertain significance (2); Benign (1); Likely benign (1). Last evaluated 2025-04-01.

Conditions:
Non-obstructive azoospermia. Identifiers: MedGen C4021107, HP:0011961.
Spermatogenic failure 23. Identifiers: MedGen C4540185, MONDO:0054727, OMIM 617707.

Allele frequency attached by ClinVar (database versions not stated): 1000 Genomes Project 0.00180; 1000 Genomes Project 30x 0.00187; TOPMed 0.00246; ESP Exome Variant Server 0.00315; gnomAD 0.00359 and 0.00360; gnomAD exomes 0.00386 and 0.00461; ExAC 0.00388.
gnomAD v4.1: 7,230 of 1,613,986 alleles (0.45%); highest among the groups gnomAD compares: Non-Finnish European, 0.49%; 24 homozygotes.

Submissions (4):

CeGaT Center for Human Genetics Tuebingen
Classification: Likely benign. Last evaluated: 2025-04-01. Review status: criteria provided, single submitter. Criteria: CeGaT Center For Human Genetics Tuebingen Variant Classification Criteria Version 2. Collection method: clinical testing. Allele origin: germline. Affected: yes. Observed: 3 variant alleles.
Comment: TEX14: BS2

MGZ Medical Genetics Center
Classification: Uncertain significance for Spermatogenic failure 23. Last evaluated: 2022-01-25. Review status: criteria provided, single submitter. Criteria: ACMG Guidelines, 2015. Collection method: clinical testing. Allele origin: germline. Affected: yes. Observed: 1 variant allele.
Comment: ACMG criteria applied: PP3

Institute of Reproductive Genetics, University of Münster
Classification: Uncertain significance for Non-obstructive azoospermia. Last evaluated: 2020-06-07. Review status: criteria provided, single submitter. Criteria: ACMG Guidelines, 2015. Collection method: research. Allele origin: unknown. Affected: yes. Observed: 1 variant allele.

Labcorp Genetics (formerly Invitae), Labcorp
Classification: Benign. Last evaluated: 2018-04-04. Review status: criteria provided, single submitter. Criteria: Invitae Variant Classification Sherloc (09022015). Collection method: clinical testing. Allele origin: germline.

Literature cited by the submitters: PubMed 31479588 (cited by Institute of Reproductive Genetics, University of Münster).

NM_031272.5(TEX14):c.709C>G (p.Gln237Glu)

Gene: TEX14 (testis expressed 14, intercellular bridge forming factor; minus strand). Cytogenetic location: 17q22.
Variant type: single nucleotide variant.
Coding change: c.709C>G on transcript NM_031272.5 (MANE Select); coding-DNA position 709, C replaced by G.
Protein change: p.Gln237Glu; replaces glutamine 237 with glutamic acid.
Molecular consequence: missense variant.
Genome position (GRCh38, 1-based): chr17:58,616,233, G>C on the plus strand (C>G on the coding strand, the complement: TEX14 is on the minus strand). VCF-style: chr17-58616233-G-C. GRCh37 (hg19) VCF-style: chr17-56693594-G-C.
Other names: c.727C>G, p.Gln243Glu (NM_001201457.2); c.709C>G, p.Gln237Glu (NM_198393.4); short protein forms Q237E, Q243E.
Identifiers: ClinVar variation 684771 (VCV000684771.31), dbSNP rs35551271, ClinGen allele CA8676651.
Genomic context (GRCh38, chr17:58,616,233, plus strand): 5'-ACTTGGTCATGACCATGTAGGGGCCGCTGAAGAAAGAGAAGGTGGGCTCATCATCAGCTT[G>C]AATCACTTCCTTTTCTCCAATGACCGGAAGAGATCCTAGATAGGCCATCTGTGTCGCCCC-3'
Protein context (NP_112562.3, residues 227-247): LPVIGEKEVI[Gln237Glu]ADDEPTFSFF